The following is an entry in ClinVar:

NM_017617.5(NOTCH1):c.743-17G>A

Genes: MIR4673 (microRNA 4673; minus strand), NOTCH1 (notch receptor 1; minus strand). Cytogenetic location: 9q34.3.
Variant type: single nucleotide variant.
Coding change: c.743-17G>A on transcript NM_017617.5 (MANE Select); 17 bases into the intron before coding-DNA position 743, G replaced by A.
Molecular consequence: intron variant. On other transcripts: non-coding transcript variant (1).
Genome position (GRCh38, 1-based): chr9:136,519,582, C>T on the plus strand (G>A on the coding strand, the complement: NOTCH1 is on the minus strand). VCF-style: chr9-136519582-C-T. GRCh37 (hg19) VCF-style: chr9-139414034-C-T.
Other names: c.743-17G>A (LRG_1122t1).
Identifiers: ClinVar variation 514583 (VCV000514583.4), dbSNP rs759467563, ClinGen allele CA5342057.

ClinVar aggregate classification (germline): Likely benign. Review status: criteria provided, multiple submitters, no conflicts (2 of 4 stars). 2 submissions from 2 submitters: Likely benign (2). Last evaluated 2025-12-19.

Conditions:
Adams-Oliver syndrome 5 (AOS5). Identifiers: Orphanet 974, MedGen C4014970, MONDO:0014459, OMIM 616028.

Allele frequency attached by ClinVar (database versions not stated): gnomAD exomes below 0.00001 and 0.00001; ExAC 0.00001; gnomAD 0.00001; TOPMed 0.00001.
gnomAD v4.1: 9 of 1,612,470 alleles (0.00056%); highest among the groups gnomAD compares: East Asian, 0.0022%; no homozygotes.

Submissions (2):

Labcorp Genetics (formerly Invitae), Labcorp
Classification: Likely benign for Adams-Oliver syndrome 5. Last evaluated: 2025-12-19. Review status: criteria provided, single submitter. Criteria: Invitae Variant Classification Sherloc (09022015). Collection method: clinical testing. Allele origin: germline.

GeneDx
Classification: Likely benign. Last evaluated: 2018-01-10. Review status: criteria provided, single submitter. Criteria: GeneDx Variant Classification (06012015). Collection method: clinical testing. Allele origin: germline. Affected: yes.
Comment: This variant is considered likely benign or benign based on one or more of the following criteria: it is a conservative change, it occurs at a poorly conserved position in the protein, it is predicted to be benign by multiple in silico algorithms, and/or has population frequency not consistent with disease.